The following is an entry in ClinVar:

NM_022455.5(NSD1):c.3922-9T>A

Gene: NSD1 (nuclear receptor binding SET domain protein 1; plus strand). Cytogenetic location: 5q35.3.
Variant type: single nucleotide variant.
Coding change: c.3922-9T>A on transcript NM_022455.5 (MANE Select); 9 bases into the intron before coding-DNA position 3922, T replaced by A.
Molecular consequence: intron variant.
Genome position (GRCh38, 1-based): chr5:177,238,228, T>A. VCF-style: chr5-177238228-T-A. GRCh37 (hg19) VCF-style: chr5-176665229-T-A.
Other names: NM_172349.3:c.3115-9T>A; c.3922-9T>A (NM_001409303.1, NM_022455.4, NM_001409301.1 and 1 more transcripts); c.3049-9T>A (NM_001409309.1, NM_001365684.2, NM_001409306.1 and 3 more transcripts); c.3502-9T>A (NM_001409304.1); c.3169-9T>A (NM_001409305.1).
Identifiers: ClinVar variation 2500849 (VCV002500849.3), dbSNP rs2480589655, ClinGen allele CA2573332120.

ClinVar aggregate classification (germline): Conflicting classifications of pathogenicity. Review status: criteria provided, conflicting classifications (1 of 4 stars). 2 submissions from 2 submitters: Likely pathogenic (1); Uncertain significance (1). Last evaluated 2023-07-17.

Conditions:
Sotos syndrome (SOTOS). Also called: Sotos' syndrome; Distinctive facial appearance, overgrowth in childhood, and learning disabilities or delayed development; CEREBRAL GIGANTISM; CHROMOSOME 5q35 DELETION SYNDROME; SOTOS SYNDROME 1. Identifiers: Orphanet 821, MedGen C0175695, MONDO:0019349, OMIM 117550.

Submissions (2):

Victorian Clinical Genetics Services, Murdoch Childrens Research Institute
Classification: Likely pathogenic for Sotos syndrome. Last evaluated: 2023-07-17. Review status: criteria provided, single submitter. Criteria: ACMG Guidelines, 2015. Collection method: clinical testing. Allele origin: germline. Inheritance: Autosomal dominant inheritance. Affected: yes.
Comment: Based on the classification scheme VCGS_Germline_v1.3.4, this variant is classified as Likely pathogenic. Following criteria are met: 0102 - Loss of function is a known mechanism of disease in this gene and is associated with Sotos syndrome (MIM#117550). (I) 0107 - This gene is associated with autosomal dominant disease. (I) 0210 - Splice site variant proven to affect splicing of the transcript with a known effect on protein sequence. RNAseq studies using blood sample from this individual have shown the incorporation of eight nucleotides from intron 6 in about 30% of sequencing reads. The expected outcome in protein is out-of-frame (p.(Ser1309Leufs*3)), and predicted to cause nonsense-mediated decay (NMD) (personal communication; from Rare Disease Now (RDNow) study, proband RDN0003). (SP) 0251 - This variant is heterozygous. (I) 0301 - Variant is absent from gnomAD (both v2 and v3). (SP) 0701 - Other variants predicted to cause NMD comparable to the one identified in this case have very strong previous evidence for pathogenicity (DECIPHER). (SP) 0807 - This variant has no previous evidence of pathogenicity. (I) 0905 - No published segregation evidence has been identified for this variant. (I) 1007 - No published functional evidence has been identified for this variant. (I) 1208 - Inheritance information for this variant is not currently available in this individual. (I) Legend: (SP) - Supporting pathogenic, (I) - Information, (SB) - Supporting benign

Broad Center for Mendelian Genomics, Broad Institute of MIT and Harvard
Classification: Uncertain significance for Sotos syndrome. Last evaluated: 2023-05-02. Review status: criteria provided, single submitter. Criteria: ACMG Guidelines, 2015. Collection method: curation. Allele origin: germline. Inheritance: Autosomal dominant inheritance.
Comment: The c.3922-9T>A variant in NSD1 has not been previously reported in individuals with Sotos syndrome. This variant was absent from large population studies. This variant is located in the 3' splice region. Computational tools do suggest an impact to splicing. However, this information is not predictive enough to determine pathogenicity. In summary, the clinical significance of the c.3922-9T>A variant is uncertain. ACMG/AMP Criteria applied: PM2_Supporting, PP3 (Richards 2015).